The following is an entry in ClinVar:

NM_004380.3(CREBBP):c.4890+6C>T

Gene: CREBBP (CREB binding lysine acetyltransferase; minus strand). Cytogenetic location: 16p13.3.
Variant type: single nucleotide variant.
Coding change: c.4890+6C>T on transcript NM_004380.3 (MANE Select); 6 bases into the intron after coding-DNA position 4890, C replaced by T.
Molecular consequence: intron variant.
Genome position (GRCh38, 1-based): chr16:3,731,770, G>A on the plus strand (C>T on the coding strand, the complement: CREBBP is on the minus strand). VCF-style: chr16-3731770-G-A. GRCh37 (hg19) VCF-style: chr16-3781771-G-A.
Other names: c.4776+6C>T (NM_001079846.1).
Identifiers: ClinVar variation 579872 (VCV000579872.11), dbSNP rs1567265838, ClinGen allele CA891843874.

ClinVar aggregate classification (germline): Uncertain significance. Review status: criteria provided, multiple submitters, no conflicts (2 of 4 stars). 2 submissions from 2 submitters: Uncertain significance (2). Last evaluated 2025-06-23.

Conditions:
Menke-Hennekam syndrome 1 (MKHK1). Identifiers: MedGen C5193034, MONDO:0020763, OMIM 618332.
Rubinstein-Taybi syndrome due to CREBBP mutations (RSTS1). Also called: RUBINSTEIN-TAYBI SYNDROME 1, INCOMPLETE; CREBBP-Related Rubinstein-Taybi Syndrome; RUBINSTEIN SYNDROME; BROAD THUMB-HALLUX SYNDROME; BROAD THUMBS AND GREAT TOES, CHARACTERISTIC FACIES, AND IMPAIRED INTELLECTUAL DEVELOPMENT; Rubinstein-Taybi syndrome 1. Identifiers: Orphanet 353277, Orphanet 783, MedGen C4551859, MONDO:0008393, OMIM 180849.
Rubinstein-Taybi syndrome (RSTS). Identifiers: Orphanet 783, MedGen C0035934, MONDO:0019188.

Allele frequency attached by ClinVar (database versions not stated): TOPMed below 0.00001; gnomAD 0.00001.
gnomAD v4.1: 7 of 1,614,090 alleles (0.00043%); highest among the groups gnomAD compares: Admixed American, 0.0033%; no homozygotes.

Submissions (2):

Labcorp Genetics (formerly Invitae), Labcorp
Classification: Uncertain significance for Rubinstein-Taybi syndrome. Last evaluated: 2025-06-23. Review status: criteria provided, single submitter. Criteria: Invitae Variant Classification Sherloc (09022015). Collection method: clinical testing. Allele origin: germline.
Comment: This sequence change falls in intron 29 of the CREBBP gene. It does not directly change the encoded amino acid sequence of the CREBBP protein. It affects a nucleotide within the consensus splice site. This variant is not present in population databases (gnomAD no frequency). This variant has not been reported in the literature in individuals affected with CREBBP-related conditions. ClinVar contains an entry for this variant (Variation ID: 579872). Variants that disrupt the consensus splice site are a relatively common cause of aberrant splicing (PMID: 17576681, 9536098). Algorithms developed to predict the effect of sequence changes on RNA splicing suggest that this variant is not likely to affect RNA splicing. In summary, the available evidence is currently insufficient to determine the role of this variant in disease. Therefore, it has been classified as a Variant of Uncertain Significance.

Fulgent Genetics
Classification: Uncertain significance for Rubinstein-Taybi syndrome due to CREBBP mutations; Menke-Hennekam syndrome 1. Last evaluated: 2022-03-04. Review status: criteria provided, single submitter. Criteria: ACMG Guidelines, 2015. Collection method: clinical testing. Allele origin: unknown.

Literature cited by the submitters: PubMed 17576681 (cited by Labcorp Genetics (formerly Invitae), Labcorp); PubMed 9536098 (cited by Labcorp Genetics (formerly Invitae), Labcorp).